The following is an entry in ClinVar:

NM_203446.3(SYNJ1):c.3598C>T (p.Pro1200Ser)

Gene: SYNJ1 (synaptojanin 1; minus strand). Cytogenetic location: 21q22.11.
Variant type: single nucleotide variant.
Coding change: c.3598C>T on transcript NM_203446.3 (MANE Select); coding-DNA position 3598, C replaced by T.
Protein change: p.Pro1200Ser; replaces proline 1200 with serine.
Molecular consequence: missense variant.
Genome position (GRCh38, 1-based): chr21:32,639,770, G>A on the plus strand (C>T on the coding strand, the complement: SYNJ1 is on the minus strand). VCF-style: chr21-32639770-G-A. GRCh37 (hg19) VCF-style: chr21-34012080-G-A.
Other names: c.3550C>T, p.Pro1184Ser (NM_001160302.2); c.3457C>T, p.Pro1153Ser (NM_001160306.2); c.3715C>T, p.Pro1239Ser (NM_003895.4); short protein forms P1153S, P1184S, P1200S, P1239S.
Identifiers: ClinVar variation 1058703 (VCV001058703.6), dbSNP rs1339413028, ClinGen allele CA410088008.

ClinVar aggregate classification (germline): Uncertain significance (1 of 4 stars; one submission).

Conditions:
Developmental and epileptic encephalopathy, 53. Also called: Epileptic encephalopathy, early infantile, 53. Identifiers: MedGen C4479313, MONDO:0033362, OMIM 617389.
Early-onset Parkinson disease 20. Also called: PARKINSON DISEASE 20, AUTOSOMAL RECESSIVE EARLY-ONSET. Identifiers: Orphanet 391411, MedGen C3809824, MONDO:0014233, OMIM 615530.

Allele frequency attached by ClinVar (database versions not stated): gnomAD exomes below 0.00001; gnomAD 0.00001; TOPMed 0.00001.
gnomAD v4.1: 4 of 1,613,802 alleles (0.00025%); highest among the groups gnomAD compares: Admixed American, 0.0033%; no homozygotes.

Submission:

Labcorp Genetics (formerly Invitae), Labcorp
Classification: Uncertain significance for Developmental and epileptic encephalopathy, 53; Early-onset Parkinson disease 20. Last evaluated: 2022-07-11. Review status: criteria provided, single submitter. Criteria: Invitae Variant Classification Sherloc (09022015). Collection method: clinical testing. Allele origin: germline.
Comment: This sequence change replaces proline, which is neutral and non-polar, with serine, which is neutral and polar, at codon 1239 of the SYNJ1 protein (p.Pro1239Ser). The frequency data for this variant in the population databases is considered unreliable, as metrics indicate poor data quality at this position in the gnomAD database. This variant has not been reported in the literature in individuals affected with SYNJ1-related conditions. ClinVar contains an entry for this variant (Variation ID: 1058703). Algorithms developed to predict the effect of missense changes on protein structure and function (SIFT, PolyPhen-2, Align-GVGD) all suggest that this variant is likely to be tolerated. In summary, the available evidence is currently insufficient to determine the role of this variant in disease. Therefore, it has been classified as a Variant of Uncertain Significance.